The following is an entry in ClinVar:

ClinVar aggregate classification (germline): Uncertain significance (1 of 4 stars; one submission).

Allele frequency attached by ClinVar (database versions not stated): ExAC 0.00001; gnomAD exomes 0.00001; TOPMed 0.00001.
gnomAD v4.1: 17 of 1,614,050 alleles (0.0011%); highest among the groups gnomAD compares: East Asian, 0.0022%; no homozygotes.

Submission:

GeneDx
Classification: Uncertain significance. Last evaluated: 2013-07-31. Review status: criteria provided, single submitter. Criteria: GeneDx Variant Classification (06012015). Collection method: clinical testing. Allele origin: germline. Affected: yes.
Comment: p.Ser238Gly (AGT>GGT): c.712 A>G in exon 3 of the NDUFAF1 gene (NM_016013.2). The S238G missense substitution has not been published as a mutation, nor has it been reported as a benign polymorphism to our knowledge. Mutations in the NDUFAF1 gene are associated with the autosomal recessive disorder mitochondrial complex I deficiency and cardioencephalomyopathy. S238G is a non-conservative amino acid substitution as a polar Serine residue is replaced with a non-polar Glycine residue. The variant occurs at a position that is not highly conserved across species. In silico algorithms are not consistent in their prediction as to whether or not S238G is damaging to the structure/function of the NDUFAF1 protein. Therefore, based on the currently available information, it is unclear whether S238G is a disease-causing mutation or a rare benign variant. The variant is found in MITONUC-MITOP panel(s).

NM_016013.4(NDUFAF1):c.712A>G (p.Ser238Gly)

Gene: NDUFAF1 (NADH:ubiquinone oxidoreductase complex assembly factor 1; minus strand). Cytogenetic location: 15q15.1.
Variant type: single nucleotide variant.
Coding change: c.712A>G on transcript NM_016013.4 (MANE Select); coding-DNA position 712, A replaced by G.
Protein change: p.Ser238Gly; replaces serine 238 with glycine.
Molecular consequence: missense variant. On other transcripts: non-coding transcript variant (1).
Genome position (GRCh38, 1-based): chr15:41,394,906, T>C on the plus strand (A>G on the coding strand, the complement: NDUFAF1 is on the minus strand). VCF-style: chr15-41394906-T-C. GRCh37 (hg19) VCF-style: chr15-41687104-T-C.
Other names: p.S238G:AGT>GGT; short protein forms S238G.
Identifiers: ClinVar variation 214736 (VCV000214736.2), dbSNP rs770939199, ClinGen allele CA320466.